The following is an entry in ClinVar:

NM_014915.3(ANKRD26):c.3174C>G (p.Asn1058Lys)

Gene: ANKRD26 (ankyrin repeat domain containing 26; minus strand). Cytogenetic location: 10p12.1.
Variant type: single nucleotide variant.
Coding change: c.3174C>G on transcript NM_014915.3 (MANE Select); coding-DNA position 3174, C replaced by G.
Protein change: p.Asn1058Lys; replaces asparagine 1058 with lysine.
Molecular consequence: missense variant.
Genome position (GRCh38, 1-based): chr10:27,035,276, G>C on the plus strand (C>G on the coding strand, the complement: ANKRD26 is on the minus strand). VCF-style: chr10-27035276-G-C. GRCh37 (hg19) VCF-style: chr10-27324205-G-C.
Other names: c.3171C>G, p.Asn1057Lys (NM_001256053.2); short protein forms N1057K, N1058K.
Identifiers: ClinVar variation 4104070 (VCV004104070.1).

ClinVar aggregate classification (germline): Uncertain significance (1 of 4 stars; one submission).

Conditions:
Inborn genetic diseases. Identifiers: MedGen C0950123, MeSH D030342.

gnomAD v4.1: 1 of 1,613,708 alleles (0.000062%); highest among the groups gnomAD compares: Non-Finnish European, 0.000085%; no homozygotes.

Submission:

Ambry Genetics
Classification: Uncertain significance for Inborn genetic diseases. Last evaluated: 2025-08-08. Review status: criteria provided, single submitter. Criteria: Ambry Variant Classification Scheme 2023. Collection method: clinical testing. Allele origin: germline.
Comment: The p.N1058K variant (also known as c.3174C>G), located in coding exon 24 of the ANKRD26 gene, results from a C to G substitution at nucleotide position 3174. The asparagine at codon 1058 is replaced by lysine, an amino acid with similar properties. This amino acid position is conserved. In addition, this alteration is predicted to be tolerated by in silico analysis. Based on the available evidence, the clinical significance of this variant remains unclear.